The following is an entry in ClinVar:

NM_020975.6(RET):c.1548C>A (p.Pro516=)

Gene: RET (ret proto-oncogene; plus strand). Cytogenetic location: 10q11.21.
Variant type: single nucleotide variant.
Coding change: c.1548C>A on transcript NM_020975.6 (MANE Select); coding-DNA position 1548, C replaced by A.
Protein change: p.Pro516=; no amino-acid change (proline 516 retained).
Molecular consequence: synonymous variant.
Genome position (GRCh38, 1-based): chr10:43,112,124, C>A. VCF-style: chr10-43112124-C-A. GRCh37 (hg19) VCF-style: chr10-43607572-C-A.
Other names: c.1548C>A, p.Pro516= (NM_000323.2, NM_001406743.1, NM_001406744.1 and 6 more transcripts); c.786C>A, p.Pro262= (NM_001355216.2); c.1419C>A, p.Pro473= (NM_001406761.1, NM_001406762.1, NM_001406764.1 and 1 more transcripts); c.1260C>A, p.Pro420= (NM_001406766.1, NM_001406767.1, NM_001406770.1); c.1152C>A, p.Pro384= (NM_001406769.1, NM_001406772.1); c.1110C>A, p.Pro370= (NM_001406771.1, NM_001406773.1); c.1023C>A, p.Pro341= (NM_001406774.1); c.822C>A, p.Pro274= (NM_001406775.1, NM_001406776.1, NM_001406777.1 and 1 more transcripts); and 5 more.
Identifiers: ClinVar variation 543766 (VCV000543766.15), dbSNP rs1246004706, ClinGen allele CA469027612.

ClinVar aggregate classification (germline): Benign/Likely benign. Review status: criteria provided, multiple submitters, no conflicts (2 of 4 stars). 3 submissions from 3 submitters: Benign (1); Likely benign (2). Last evaluated 2025-02-25.

Conditions:
Multiple endocrine neoplasia type 2A. Also called: MULTIPLE ENDOCRINE NEOPLASIA, TYPE IIA; PTC SYNDROME; SIPPLE SYNDROME; MEN 2A; MEN-2A syndrome; Pheochromocytoma and amyloid producing medullary thyroid carcinoma. Identifiers: Orphanet 247698, Orphanet 653, MedGen C0025268, MeSH D018813, MONDO:0008234, OMIM 171400.
Hereditary cancer-predisposing syndrome. Also called: Neoplastic Syndromes, Hereditary; Hereditary Cancer Syndrome; Tumor predisposition; Hereditary neoplastic syndrome. Identifiers: Orphanet 140162, MedGen C0027672, MeSH D009386, MONDO:0015356.
Multiple endocrine neoplasia, type 2 (MEN2). Identifiers: Orphanet 653, MedGen C4048306, MONDO:0019003. Disease mechanism: gain of function.

Allele frequency attached by ClinVar (database versions not stated): gnomAD exomes below 0.00001 and 0.00001; TOPMed below 0.00001.
gnomAD v4.1: 4 of 1,601,776 alleles (0.00025%); highest among the groups gnomAD compares: South Asian, 0.0023%; no homozygotes.

Submissions (3):

Myriad Genetics, Inc.
Classification: Benign for Multiple endocrine neoplasia type 2A. Last evaluated: 2025-02-25. Review status: criteria provided, single submitter. Criteria: Myriad Autosomal Dominant, Autosomal Recessive and X-Linked Classification Criteria (2023). Collection method: clinical testing. Allele origin: unknown.
Comment: This variant is considered benign. This variant is a silent/synonymous amino acid change and it is not expected to impact splicing.

Labcorp Genetics (formerly Invitae), Labcorp
Classification: Likely benign for Multiple endocrine neoplasia, type 2. Last evaluated: 2023-05-02. Review status: criteria provided, single submitter. Criteria: Invitae Variant Classification Sherloc (09022015). Collection method: clinical testing. Allele origin: germline.

Ambry Genetics
Classification: Likely benign for Hereditary cancer-predisposing syndrome. Last evaluated: 2020-11-27. Review status: criteria provided, single submitter. Criteria: Ambry Variant Classification Scheme 2023. Collection method: clinical testing. Allele origin: germline.